The following is an entry in ClinVar:

ClinVar aggregate classification (germline): Likely benign (0 of 4 stars; one submission).

Conditions:
FUT8-related disorder. Also called: FUT8-related condition.

Allele frequency attached by ClinVar (database versions not stated): gnomAD exomes below 0.00001; gnomAD 0.00001; ExAC 0.00002.
gnomAD v4.1: 7 of 1,613,798 alleles (0.00043%); highest among the groups gnomAD compares: East Asian, 0.016%; no homozygotes.

Submission:

PreventionGenetics, part of Exact Sciences
Classification: Likely benign for FUT8-related condition. Last evaluated: 2020-03-30. Review status: no assertion criteria provided. Collection method: clinical testing. Allele origin: germline.
Comment: This variant is classified as likely benign based on ACMG/AMP sequence variant interpretation guidelines (Richards et al. 2015 PMID: 25741868, with internal and published modifications).

NM_001371533.1(FUT8):c.720A>C (p.Thr240=)

Gene: FUT8 (fucosyltransferase 8; plus strand). Cytogenetic location: 14q23.3.
Variant type: single nucleotide variant.
Coding change: c.720A>C on transcript NM_001371533.1 (MANE Select); coding-DNA position 720, A replaced by C.
Protein change: p.Thr240=; no amino-acid change (threonine 240 retained).
Molecular consequence: synonymous variant. On other transcripts: non-coding transcript variant (1).
Genome position (GRCh38, 1-based): chr14:65,669,365, A>C. VCF-style: chr14-65669365-A-C. GRCh37 (hg19) VCF-style: chr14-66136083-A-C.
Other names: c.720A>C, p.Thr240= (NM_001371534.1, NM_178155.3, NM_178156.2); c.822A>C, p.Thr274= (NM_001371536.1); c.231A>C, p.Thr77= (NM_004480.4).
Identifiers: ClinVar variation 3054999 (VCV003054999.2), dbSNP rs758456368, ClinGen allele CA7233308.